The following is an entry in ClinVar:

ClinVar aggregate classification (germline): Pathogenic (1 of 4 stars; one submission).

Conditions:
Majeed syndrome (MJDS). Also called: LPIN2-Related Majeed Syndrome; CHRONIC RECURRENT MULTIFOCAL OSTEOMYELITIS 1, WITH CONGENITAL DYSERYTHROPOIETIC ANEMIA, WITH OR WITHOUT NEUTROPHILIC DERMATOSIS. Identifiers: Orphanet 77297, MedGen C1864997, MONDO:0012316, OMIM 609628.

Submission:

Labcorp Genetics (formerly Invitae), Labcorp
Classification: Pathogenic for Majeed syndrome. Last evaluated: 2026-01-21. Review status: criteria provided, single submitter. Criteria: Invitae Variant Classification Sherloc (09022015). Collection method: clinical testing. Allele origin: germline.
Comment: This sequence change creates a premature translational stop signal (p.Ile779Glnfs*3) in the LPIN2 gene. It is expected to result in an absent or disrupted protein product. Loss-of-function variants in LPIN2 are known to be pathogenic (PMID: 15994876, 23087183). This variant is not present in population databases (gnomAD no frequency). This variant has not been reported in the literature in individuals affected with LPIN2-related conditions. For these reasons, this variant has been classified as Pathogenic.

Literature cited by the submitters: PubMed 15994876; PubMed 23087183.

NC_000018.10:g.2921627_2921649del

Gene: LPIN2 (lipin 2; minus strand). Cytogenetic location: 18p11.31.
Variant type: Deletion.
Genome position: GRCh38 VCF-style: chr18-2921618-AACTTCTCTGGTTTCTTTTCTATC-A. GRCh37 (hg19) VCF-style: chr18-2921616-AACTTCTCTGGTTTCTTTTCTATC-A.
Identifiers: ClinVar variation 4696723 (VCV004696723.1).